The following is an entry in ClinVar:

NM_001852.4(COL9A2):c.553C>T (p.Pro185Ser)

Gene: COL9A2 (collagen type IX alpha 2 chain; minus strand). Cytogenetic location: 1p34.2.
Variant type: single nucleotide variant.
Coding change: c.553C>T on transcript NM_001852.4 (MANE Select); coding-DNA position 553, C replaced by T.
Protein change: p.Pro185Ser; replaces proline 185 with serine.
Molecular consequence: missense variant.
Genome position (GRCh38, 1-based): chr1:40,311,253, G>A on the plus strand (C>T on the coding strand, the complement: COL9A2 is on the minus strand). VCF-style: chr1-40311253-G-A. GRCh37 (hg19) VCF-style: chr1-40776925-G-A.
Other names: short protein forms P185S.
Identifiers: ClinVar variation 1954205 (VCV001954205.7), dbSNP rs761059218, ClinGen allele CA339855923.

ClinVar aggregate classification (germline): Uncertain significance. Review status: criteria provided, multiple submitters, no conflicts (2 of 4 stars). 2 submissions from 2 submitters: Uncertain significance (2). Last evaluated 2025-07-28.

Allele frequency attached by ClinVar (database versions not stated): gnomAD 0.00001.
gnomAD v4.1: 8 of 1,614,064 alleles (0.0005%); highest among the groups gnomAD compares: Non-Finnish European, 0.00068%; no homozygotes.

Submissions (2):

Women's Health and Genetics/Laboratory Corporation of America, LabCorp
Classification: Uncertain significance. Last evaluated: 2025-07-28. Review status: criteria provided, single submitter. Criteria: LabCorp Variant Classification Summary - May 2015. Collection method: clinical testing. Allele origin: germline.
Comment: Variant summary: COL9A2 c.553C>T (p.Pro185Ser) results in a non-conservative amino acid change in the encoded protein sequence. Algorithms developed to predict the effect of missense changes on protein structure and function are either unavailable or do not agree on the potential impact of this missense change. The variant allele was found at a frequency of 4e-06 in 251262 control chromosomes. The available data on variant occurrences in the general population are insufficient to allow any conclusion about variant significance. To our knowledge, no occurrence of c.553C>T in individuals affected with Epiphyseal dysplasia, multiple, 2 and no experimental evidence demonstrating its impact on protein function have been reported. ClinVar contains an entry for this variant (Variation ID: 1954205). Based on the evidence outlined above, the variant was classified as uncertain significance.

Labcorp Genetics (formerly Invitae), Labcorp
Classification: Uncertain significance. Last evaluated: 2022-06-08. Review status: criteria provided, single submitter. Criteria: Invitae Variant Classification Sherloc (09022015). Collection method: clinical testing. Allele origin: germline.
Comment: In summary, the available evidence is currently insufficient to determine the role of this variant in disease. Therefore, it has been classified as a Variant of Uncertain Significance. Advanced modeling of protein sequence and biophysical properties (such as structural, functional, and spatial information, amino acid conservation, physicochemical variation, residue mobility, and thermodynamic stability) performed at Invitae indicates that this missense variant is not expected to disrupt COL9A2 protein function. This variant has not been reported in the literature in individuals affected with COL9A2-related conditions. This variant is present in population databases (no rsID available, gnomAD 0.0009%). This sequence change replaces proline, which is neutral and non-polar, with serine, which is neutral and polar, at codon 185 of the COL9A2 protein (p.Pro185Ser).